The following is an entry in ClinVar:

ClinVar aggregate classification (germline): Pathogenic (1 of 4 stars; one submission).

Submission:

Labcorp Genetics (formerly Invitae), Labcorp
Classification: Pathogenic. Last evaluated: 2022-12-03. Review status: criteria provided, single submitter. Criteria: Invitae Variant Classification Sherloc (09022015). Collection method: clinical testing. Allele origin: unknown.
Comment: For these reasons, this variant has been classified as Pathogenic. This variant disrupts a region of the ERCC8 protein in which other variant(s) (p.Ser351Argfs*31) have been determined to be pathogenic (PMID: 30039856; Invitae). This suggests that this is a clinically significant region of the protein, and that variants that disrupt it are likely to be disease-causing. This variant has not been reported in the literature in individuals affected with ERCC8-related conditions. This variant is a gross deletion of the genomic region encompassing exon(s) 11-12 of the ERCC8 gene, which includes the termination codon. This deletion extends beyond the assayed region for this gene and therefore may encompass additional genes. While this deletion is not anticipated to lead to nonsense mediated decay, it is expected to alter mRNA translation or result in a truncated protein product.

Literature cited by the submitters: PubMed 30039856.

NC_000005.9:g.(?_60170432)_(60183357_?)del

Gene: ERCC8 (ERCC excision repair 8, CSA ubiquitin ligase complex subunit; minus strand). Cytogenetic location: 5q12.1.
Variant type: Deletion.
Identifiers: ClinVar variation 3246434 (VCV003246434.1).